The following is an entry in ClinVar:

ClinVar aggregate classification (germline): other (0 of 4 stars; one submission).

Conditions:
Familial colorectal cancer. Identifiers: MedGen CN280943, MONDO:0023113. Disease mechanism: loss of function.

Submission:

Systems Biology Platform Zhejiang California International NanoSystems Institute
Classification: other for Familial colorectal cancer. Review status: no assertion criteria provided. Collection method: not provided. Allele origin: unknown.
ClinVar note: Converted during submission from cancer to other.

NM_000038.6(APC):c.3766C>A (p.Gln1256Lys)

Gene: APC (APC regulator of WNT signaling pathway; plus strand). Cytogenetic location: 5q22.2.
Variant type: single nucleotide variant.
Coding change: c.3766C>A on transcript NM_000038.6 (MANE Select); coding-DNA position 3766, C replaced by A.
Protein change: p.Gln1256Lys; replaces glutamine 1256 with lysine.
Molecular consequence: missense variant.
Genome position (GRCh38, 1-based): chr5:112,839,360, C>A. VCF-style: chr5-112839360-C-A. GRCh37 (hg19) VCF-style: chr5-112175057-C-A.
Other names: c.3766C>A, p.Gln1256Lys (NM_001127510.3, NM_001354895.2); c.3712C>A, p.Gln1238Lys (NM_001127511.3); c.3820C>A, p.Gln1274Lys (NM_001354896.2); c.3796C>A, p.Gln1266Lys (NM_001354897.2); c.3691C>A, p.Gln1231Lys (NM_001354898.2); c.3682C>A, p.Gln1228Lys (NM_001354899.2); c.3643C>A, p.Gln1215Lys (NM_001354900.2); c.3589C>A, p.Gln1197Lys (NM_001354901.2); and 5 more; short protein forms Q1238K, Q1256K, Q1155K, Q1197K, Q1215K, Q1231K, Q973K, Q1130K.
Identifiers: ClinVar variation 83242 (VCV000083242.2), dbSNP rs77056664, ClinGen allele CA008668.
Genomic context (GRCh38, chr5:112,839,360, plus strand): 5'-GCACAGAGTAGAAGTGGTCAGCCTCAAAAGGCTGCCACTTGCAAAGTTTCTTCTATTAAC[C>A]AAGAAACAATACAGACTTATTGTGTAGAAGATACTCCAATATGTTTTTCAAGATGTAGTT-3'
Protein context (NP_000029.2, residues 1246-1266): AATCKVSSIN[Gln1256Lys]ETIQTYCVED